The following is an entry in ClinVar:

NM_000553.6(WRN):c.977G>A (p.Gly326Glu)

Gene: WRN (WRN RecQ like helicase; plus strand). Cytogenetic location: 8p12.
Variant type: single nucleotide variant.
Coding change: c.977G>A on transcript NM_000553.6 (MANE Select); coding-DNA position 977, G replaced by A.
Protein change: p.Gly326Glu; replaces glycine 326 with glutamic acid.
Molecular consequence: missense variant.
Genome position (GRCh38, 1-based): chr8:31,081,004, G>A. VCF-style: chr8-31081004-G-A. GRCh37 (hg19) VCF-style: chr8-30938520-G-A.
Other names: short protein forms G326E.
Identifiers: ClinVar variation 528117 (VCV000528117.10), dbSNP rs143068173, ClinGen allele CA4704229.

ClinVar aggregate classification (germline): Uncertain significance. Review status: criteria provided, multiple submitters, no conflicts (2 of 4 stars). 2 submissions from 2 submitters: Uncertain significance (2). Last evaluated 2024-05-13.

Conditions:
Werner syndrome (WRN). Identifiers: Orphanet 902, MedGen C0043119, MONDO:0010196, OMIM 277700.
Inborn genetic diseases. Identifiers: MedGen C0950123, MeSH D030342.

Allele frequency attached by ClinVar (database versions not stated): TOPMed below 0.00001; gnomAD exomes 0.00001 and 0.00004; ExAC 0.00002; gnomAD 0.00003; ESP Exome Variant Server 0.00008; 1000 Genomes Project 0.00020; 1000 Genomes Project 30x 0.00031.
gnomAD v4.1: 20 of 1,613,918 alleles (0.0012%); highest among the groups gnomAD compares: Admixed American, 0.025%; no homozygotes.

Submissions (2):

Labcorp Genetics (formerly Invitae), Labcorp
Classification: Uncertain significance for Werner syndrome. Last evaluated: 2024-05-13. Review status: criteria provided, single submitter. Criteria: Invitae Variant Classification Sherloc (09022015). Collection method: clinical testing. Allele origin: germline.
Comment: This sequence change replaces glycine, which is neutral and non-polar, with glutamic acid, which is acidic and polar, at codon 326 of the WRN protein (p.Gly326Glu). This variant is present in population databases (rs143068173, gnomAD 0.03%). This variant has not been reported in the literature in individuals affected with WRN-related conditions. ClinVar contains an entry for this variant (Variation ID: 528117). An algorithm developed to predict the effect of missense changes on protein structure and function (PolyPhen-2) suggests that this variant is likely to be tolerated. In summary, the available evidence is currently insufficient to determine the role of this variant in disease. Therefore, it has been classified as a Variant of Uncertain Significance.

Ambry Genetics
Classification: Uncertain significance for Inborn genetic diseases. Last evaluated: 2022-07-12. Review status: criteria provided, single submitter. Criteria: Ambry Variant Classification Scheme 2023. Collection method: clinical testing. Allele origin: germline.